The following is an entry in ClinVar:

ClinVar aggregate classification (germline): Uncertain significance (1 of 4 stars; one submission).

gnomAD v4.1: 28 of 1,614,116 alleles (0.0017%); highest among the groups gnomAD compares: Non-Finnish European, 0.0022%; no homozygotes.

Submission:

GeneDx
Classification: Uncertain significance. Last evaluated: 2024-08-21. Review status: criteria provided, single submitter. Criteria: GeneDx Variant Classification Process June 2021. Collection method: clinical testing. Allele origin: germline. Affected: yes.
Comment: Not observed at significant frequency in large population cohorts (gnomAD); In silico analysis indicates that this missense variant does not alter protein structure/function; Has not been previously published as pathogenic or benign to our knowledge

NM_025137.4(SPG11):c.2930T>C (p.Val977Ala)

Gene: SPG11 (SPG11 vesicle trafficking associated, spatacsin; minus strand). Cytogenetic location: 15q21.1.
Variant type: single nucleotide variant.
Coding change: c.2930T>C on transcript NM_025137.4 (MANE Select); coding-DNA position 2930, T replaced by C.
Protein change: p.Val977Ala; replaces valine 977 with alanine.
Molecular consequence: missense variant.
Genome position (GRCh38, 1-based): chr15:44,615,471, A>G on the plus strand (T>C on the coding strand, the complement: SPG11 is on the minus strand). VCF-style: chr15-44615471-A-G. GRCh37 (hg19) VCF-style: chr15-44907669-A-G.
Other names: c.2930T>C, p.Val977Ala (NM_001160227.2, NM_001411132.1); short protein forms V977A.
Identifiers: ClinVar variation 3764110 (VCV003764110.1).